The following is an entry in ClinVar:

NM_000297.4(PKD2):c.1898+5G>A

Gene: PKD2 (polycystin 2, transient receptor potential cation channel; plus strand). Cytogenetic location: 4q22.1.
Variant type: single nucleotide variant.
Coding change: c.1898+5G>A on transcript NM_000297.4 (MANE Select); 5 bases into the intron after coding-DNA position 1898, G replaced by A.
Molecular consequence: intron variant.
Genome position (GRCh38, 1-based): chr4:88,056,272, G>A. VCF-style: chr4-88056272-G-A. GRCh37 (hg19) VCF-style: chr4-88977424-G-A.
Other names: c.1898+5G>A (NM_000297.3).
Identifiers: ClinVar variation 448033 (VCV000448033.22), dbSNP rs1553926929, ClinGen allele CA658657394.

ClinVar aggregate classification (germline): Pathogenic/Likely pathogenic. Review status: criteria provided, multiple submitters, no conflicts (2 of 4 stars). 8 submissions from 8 submitters: Pathogenic (6); Likely pathogenic (1). 1 of the submissions does not count toward it. Last evaluated 2025-10-07.

Conditions:
PKD2-related disorder. Also called: PKD2-related condition.
Autosomal dominant polycystic kidney disease. Identifiers: Orphanet 730, MedGen C0085413, MONDO:0004691.
Polycystic kidney disease 2 (PKD2). Also called: POLYCYSTIC KIDNEY DISEASE, ADULT, TYPE II; POLYCYSTIC KIDNEY DISEASE 2 WITH OR WITHOUT POLYCYSTIC LIVER DISEASE; Polycystic Kidney Disease 2, Autosomal Dominant. Identifiers: MedGen C2751306, MONDO:0013131, OMIM 613095.
Polycystic kidney disease. Also called: Polycystic kidney dysplasia; Kidney, Polycystic. Identifiers: MedGen C0022680, MeSH D007690, MONDO:0020642, HP:0000113.

Allele frequency attached by ClinVar (database versions not stated): gnomAD exomes below 0.00001; TOPMed below 0.00001; gnomAD 0.00001.
gnomAD v4.1: 3 of 1,590,364 alleles (0.00019%); highest among the groups gnomAD compares: Non-Finnish European, 0.00026%; no homozygotes.

Submissions (8):

Women's Health and Genetics/Laboratory Corporation of America, LabCorp
Classification: Pathogenic for Polycystic kidney disease 2. Last evaluated: 2025-10-07. Review status: criteria provided, single submitter. Criteria: LabCorp Variant Classification Summary - May 2015. Collection method: clinical testing. Allele origin: germline.
Comment: Variant summary: PKD2 c.1898+5G>A alters a conserved nucleotide located close to a canonical splice site and therefore could affect mRNA splicing, leading to a significantly altered protein sequence. Several computational tools predict a significant impact on normal splicing: Two predict the variant abolishes a canonical 5' splicing donor site and one predict the variant weakens this site. However, these predictions have yet to be confirmed by functional studies. The variant was absent in 234058 control chromosomes (gnomAD). c.1898+5G>A has been observed in multiple individuals affected with Polycystic Kidney Disease 2 (e.g., Garcia-Gonzalez_2007, Rossetti_2007, Wang_2009). These data indicate that the variant is very likely to be associated with disease. The following publications have been ascertained in the context of this evaluation (PMID: 17574468, 17582161, 19158373). ClinVar contains an entry for this variant (Variation ID: 448033). Based on the evidence outlined above, the variant was classified as pathogenic.

Fulgent Genetics
Classification: Pathogenic for Polycystic kidney disease 2. Last evaluated: 2023-12-20. Review status: criteria provided, single submitter. Criteria: ACMG Guidelines, 2015. Collection method: clinical testing. Allele origin: germline.

GeneDx
Classification: Pathogenic. Last evaluated: 2023-12-06. Review status: criteria provided, single submitter. Criteria: GeneDx Variant Classification Process June 2021. Collection method: clinical testing. Allele origin: germline.
Comment: Intronic +5 splice site variant in a gene for which loss-of-function is a known mechanism of disease, and splice predictors support a deleterious effect; Not observed at significant frequency in large population cohorts (gnomAD); This variant is associated with the following publications: (PMID: 17582161, 19158373, 17574468)

Labcorp Genetics (formerly Invitae), Labcorp
Classification: Pathogenic for Autosomal dominant polycystic kidney disease. Last evaluated: 2023-07-19. Review status: criteria provided, single submitter. Criteria: Invitae Variant Classification Sherloc (09022015). Collection method: clinical testing. Allele origin: germline.
Comment: This variant is not present in population databases (gnomAD no frequency). This variant has been observed in individual(s) with autosomal dominant polycystic kidney disease (PMID: 17574468, 17582161, 19158373). It has also been observed to segregate with disease in related individuals. This variant is also known as IVS8+5 G>A. ClinVar contains an entry for this variant (Variation ID: 448033). Variants that disrupt the consensus splice site are a relatively common cause of aberrant splicing (PMID: 17576681, 9536098). Studies have shown that this variant is associated with altered splicing resulting in multiple RNA products (PMID: 19158373). For these reasons, this variant has been classified as Pathogenic. This sequence change falls in intron 8 of the PKD2 gene. It does not directly change the encoded amino acid sequence of the PKD2 protein. It affects a nucleotide within the consensus splice site.

Athena Diagnostics
Classification: Pathogenic. Last evaluated: 2022-12-29. Review status: criteria provided, single submitter. Criteria: Athena Diagnostics Criteria. Collection method: clinical testing. Allele origin: unknown.
Comment: The frequency of this variant in the general population is consistent with pathogenicity. This variant appears to segregate with disease in at least one family. Assessment of experimental evidence suggests this variant results in abnormal RNA splicing.

Blueprint Genetics
Classification: Pathogenic for PKD2-related disorders. Last evaluated: 2022-09-22. Review status: criteria provided, single submitter. Criteria: ACMG Guidelines, 2015. Collection method: clinical testing. Allele origin: germline. Affected: yes. Observed: 3 variant alleles.

ARUP Laboratories, Molecular Genetics and Genomics, ARUP Laboratories
Classification: Likely pathogenic for Polycystic kidney disease 2. Last evaluated: 2019-05-24. Review status: criteria provided, single submitter. Criteria: ARUP Molecular Germline Variant Investigation Process. Collection method: clinical testing. Allele origin: germline.
Comment: The PKD2 c.1898+5G>A variant is reported in the literature in multiple individuals affected with autosomal dominant polycystic kidney disease (Garcia-Gonzalez 2007, Rossetti 2007, Wang 2009). This variant is reported in ClinVar (Variation ID: 448033), and is absent from general population databases (Exome Variant Server, Genome Aggregation Database), indicating it is not a common polymorphism. This is an intronic variant in a highly conserved nucleotide, and computational analyses (Alamut v.2.11) predict that this variant may impact splicing by significantly weakening the nearby canonical donor splice site. Additionally, functional analyses from patient samples demonstrate aberrant transcripts predicted to result in a truncated protein or mRNA subject to nonsense-mediated decay (Wang 2009). Based on available information, this variant is considered to be likely pathogenic. References: Garcia-Gonzalez MA et al. Evaluating the clinical utility of a molecular genetic test for polycystic kidney disease. Mol Genet Metab. 2007 Sep-Oct;92(1-2):160-7. Rossetti S et al. Comprehensive molecular diagnostics in autosomal dominant polycystic kidney disease. J Am Soc Nephrol. 2007 Jul;18(7):2143-60. Wang K et al. Evidence for pathogenicity of atypical splice mutations in autosomal dominant polycystic kidney disease. Clin J Am Soc Nephrol. 2009 Feb;4(2):442-9.

Department of Pathology and Laboratory Medicine, Sinai Health System
Classification: Likely pathogenic for Polycystic Kidney disease. Review status: no assertion criteria provided. Collection method: clinical testing. Allele origin: unknown. Affected: yes. Observed: 2 variant alleles. Study: The Canadian Open Genetics Repository (COGR). Not counted in ClinVar's aggregate classification.
Comment: The PKD2 c.1898+5G>A variant was identified in 1 of 164 proband chromosomes (frequency: 0.006) from individuals or families with ADPKD and was not identified in 342 control chromosomes from healthy individual. The PKD2: IVS8+5G>A occurred at the 5th base pair of the splice-donor site, which is highly conserved. This variant was predicted to result in improper splicing by both the ASSA and SSPNN programs (Garcia-Gonzalez 2007). The variant was also identified in LOVD 3.0 database but no clinical information was provided; and in ADPKD Mutation Database 4X as Highly Likely Pathogenic with an amino acid frameshift prediction (p.Leu573fs) as a result of as splice defect. The variant was not identified in dbSNP, ClinVar, GeneInsight-COGR, or PKD1-LOVD, databases. Furthermore, the variant was not identified in the 1000 Genomes Project, the NHLBI GO Exome Sequencing Project or the Exome Aggregation Consortium (August 8th 2016) control databases. The c.1898+5G>A variant is located in the 5' splice region but does not affect the invariant +1 and +2 positions. However, positions +3 to +6 are part of the splicing consensus sequence and variants involving these positions sometimes affect splicing. In addition, 4 of 5 in silico or computational prediction software programs (SpliceSiteFinder, MaxEntScan, NNSPLICE, GeneSplicer, HumanSpliceFinder) predict a greater than 10% difference in splicing 4bp upstream at the consensus splice site location. In summary, based on the above information, the clinical significance of this variant cannot be determined with certainty at this time although we would lean towards a more pathogenic role for this variant. This variant is classified as likely pathogenic.

Literature cited by the submitters: PubMed 17582161 (cited by 3 submitters); PubMed 17574468 (cited by 3 submitters); PubMed 19158373 (cited by 3 submitters); PubMed 17576681 (cited by Labcorp Genetics (formerly Invitae), Labcorp); PubMed 9536098 (cited by Labcorp Genetics (formerly Invitae), Labcorp); PubMed 22863349 (cited by Athena Diagnostics); PubMed 24374109 (cited by Athena Diagnostics); PubMed 24611717 (cited by Athena Diagnostics); PubMed 26453610 (cited by Athena Diagnostics).